The following is an entry in ClinVar:

ClinVar aggregate classification (germline): Uncertain significance. Review status: criteria provided, multiple submitters, no conflicts (2 of 4 stars). 2 submissions from 2 submitters: Uncertain significance (2). Last evaluated 2024-11-09.

Conditions:
Inborn genetic diseases. Identifiers: MedGen C0950123, MeSH D030342.
Argininosuccinate lyase deficiency. Also called: Argininosuccinic aciduria; ARGININOSUCCINIC ACID LYASE DEFICIENCY; ASL DEFICIENCY. Identifiers: Orphanet 23, MedGen C0268547, MONDO:0008815, OMIM 207900, HP:0025630.

Allele frequency attached by ClinVar (database versions not stated): gnomAD exomes 0.00003; TOPMed 0.00003; gnomAD 0.00004.
gnomAD v4.1: 45 of 1,613,882 alleles (0.0028%); highest among the groups gnomAD compares: Admixed American, 0.005%; no homozygotes.

Submissions (2):

Ambry Genetics
Classification: Uncertain significance for Inborn genetic diseases. Last evaluated: 2024-11-09. Review status: criteria provided, single submitter. Criteria: Ambry Variant Classification Scheme 2023. Collection method: clinical testing. Allele origin: germline.

Labcorp Genetics (formerly Invitae), Labcorp
Classification: Uncertain significance for Argininosuccinate lyase deficiency. Last evaluated: 2022-08-16. Review status: criteria provided, single submitter. Criteria: Invitae Variant Classification Sherloc (09022015). Collection method: clinical testing. Allele origin: germline.
Comment: This sequence change replaces arginine, which is basic and polar, with tryptophan, which is neutral and slightly polar, at codon 32 of the ASL protein (p.Arg32Trp). This variant is present in population databases (no rsID available, gnomAD 0.007%). This variant has not been reported in the literature in individuals affected with ASL-related conditions. Advanced modeling of protein sequence and biophysical properties (such as structural, functional, and spatial information, amino acid conservation, physicochemical variation, residue mobility, and thermodynamic stability) performed at Invitae indicates that this missense variant is not expected to disrupt ASL protein function. In summary, the available evidence is currently insufficient to determine the role of this variant in disease. Therefore, it has been classified as a Variant of Uncertain Significance.

NM_000048.4(ASL):c.94C>T (p.Arg32Trp)

Gene: ASL (argininosuccinate lyase; plus strand). Cytogenetic location: 7q11.21.
Variant type: single nucleotide variant.
Coding change: c.94C>T on transcript NM_000048.4 (MANE Select); coding-DNA position 94, C replaced by T.
Protein change: p.Arg32Trp; replaces arginine 32 with tryptophan.
Molecular consequence: missense variant.
Genome position (GRCh38, 1-based): chr7:66,081,884, C>T. VCF-style: chr7-66081884-C-T. GRCh37 (hg19) VCF-style: chr7-65546871-C-T.
Other names: c.94C>T (NM_000048.3); c.94C>T, p.Arg32Trp (NM_001024943.2, NM_001024944.2, NM_001024946.2); short protein forms R32W.
Identifiers: ClinVar variation 2149233 (VCV002149233.2), dbSNP rs901715532, ClinGen allele CA159925709.